The following is an entry in ClinVar:

ClinVar aggregate classification (germline): Likely benign. Review status: criteria provided, multiple submitters, no conflicts (2 of 4 stars). 7 submissions from 7 submitters: Likely benign (6). 1 of the submissions does not count toward it. Last evaluated 2026-01-08.

Conditions:
RP1-related disorder. Also called: RP1-related condition.
Retinitis pigmentosa (RP). Identifiers: Orphanet 791, MedGen C0035334, MeSH D012174, MONDO:0019200, OMIM 268000. Inheritance: Autosomal dominant, autosomal recessive and X linked inheritance.

Allele frequency attached by ClinVar (database versions not stated): gnomAD 0.00054 and 0.00068; ESP Exome Variant Server 0.00062; TOPMed 0.00069; 1000 Genomes Project 30x 0.00094; 1000 Genomes Project 0.00100.
gnomAD v4.1: 1,634 of 1,614,014 alleles (0.1%); highest among the groups gnomAD compares: Middle Eastern, 0.78%; 6 homozygotes.

Submissions (7):

Labcorp Genetics (formerly Invitae), Labcorp
Classification: Likely benign. Last evaluated: 2026-01-08. Review status: criteria provided, single submitter. Criteria: Invitae Variant Classification Sherloc (09022015). Collection method: clinical testing. Allele origin: germline.

Blueprint Genetics
Classification: Likely benign. Last evaluated: 2024-11-27. Review status: criteria provided, single submitter. Criteria: ACMG Guidelines, 2015. Collection method: clinical testing. Allele origin: germline.

CeGaT Center for Human Genetics Tuebingen
Classification: Likely benign. Last evaluated: 2024-03-01. Review status: criteria provided, single submitter. Criteria: CeGaT Center For Human Genetics Tuebingen Variant Classification Criteria Version 2. Collection method: clinical testing. Allele origin: germline. Affected: yes. Observed: 1 variant allele.
Comment: RP1: BP4

Eurofins Ntd Llc (ga)
Classification: Likely benign. Last evaluated: 2018-08-09. Review status: criteria provided, single submitter. Criteria: EGL ClinVar v180209 classification definitions. Collection method: clinical testing. Allele origin: germline. Observed: 1 variant allele, 1 heterozygote.

Illumina Laboratory Services, Illumina
Classification: Likely benign for Retinitis pigmentosa. Last evaluated: 2018-01-13. Review status: criteria provided, single submitter. Criteria: ICSL Variant Classification Criteria 13 December 2019. Collection method: clinical testing. Allele origin: germline.
Comment: This variant was observed in the ICSL laboratory as part of a predisposition screen in an ostensibly healthy population. It had not been previously curated by ICSL or reported in the Human Gene Mutation Database (HGMD: prior to June 1st, 2018), and was therefore a candidate for classification through an automated scoring system. Utilizing variant allele frequency, disease prevalence and penetrance estimates, and inheritance mode, an automated score was calculated to assess if this variant is too frequent to cause the disease. Based on the score and internal cut-off values, a variant classified as likely benign is not then subjected to further curation. The score for this variant resulted in a classification of likely benign for this disease.

Breakthrough Genomics
Classification: Likely benign. Review status: criteria provided, single submitter. Criteria: ACMG Guidelines, 2015. Collection method: not provided. Allele origin: germline. Inheritance: Autosomal dominant inheritance. Affected: yes.

PreventionGenetics, part of Exact Sciences
Classification: Likely benign for RP1-related condition. Last evaluated: 2023-03-01. Review status: no assertion criteria provided. Collection method: clinical testing. Allele origin: germline. Not counted in ClinVar's aggregate classification.
Comment: This variant is classified as likely benign based on ACMG/AMP sequence variant interpretation guidelines (Richards et al. 2015 PMID: 25741868, with internal and published modifications).

NM_006269.2(RP1):c.5624G>C (p.Gly1875Ala)

Genes: RP1 (RP1 axonemal microtubule associated; plus strand), LOC126860392 (CDK7 strongly-dependent group 2 enhancer GRCh37_chr8:55541319-55542518; plus strand). Cytogenetic location: 8q12.1.
Variant type: single nucleotide variant.
Coding change: c.5624G>C on transcript NM_006269.2 (MANE Select); coding-DNA position 5624, G replaced by C.
Protein change: p.Gly1875Ala; replaces glycine 1875 with alanine.
Molecular consequence: missense variant.
Genome position (GRCh38, 1-based): chr8:54,629,506, G>C. VCF-style: chr8-54629506-G-C. GRCh37 (hg19) VCF-style: chr8-55542066-G-C.
Other names: short protein forms G1875A.
Identifiers: ClinVar variation 363308 (VCV000363308.47), dbSNP rs150728667, ClinGen allele CA4752102.